The following is an entry in ClinVar:

NM_004973.4(JARID2):c.2530G>C (p.Ala844Pro)

Gene: JARID2 (jumonji and AT-rich interaction domain containing 2; plus strand). Cytogenetic location: 6p22.3.
Variant type: single nucleotide variant.
Coding change: c.2530G>C on transcript NM_004973.4 (MANE Select); coding-DNA position 2530, G replaced by C.
Protein change: p.Ala844Pro; replaces alanine 844 with proline.
Molecular consequence: missense variant.
Genome position (GRCh38, 1-based): chr6:15,504,581, G>C. VCF-style: chr6-15504581-G-C. GRCh37 (hg19) VCF-style: chr6-15504812-G-C.
Other names: c.2530G>C (NM_004973.2); c.2014G>C, p.Ala672Pro (NM_001267040.1); short protein forms A844P, A672P.
Identifiers: ClinVar variation 1494929 (VCV001494929.8), dbSNP rs1428494670, ClinGen allele CA362800223.

ClinVar aggregate classification (germline): Uncertain significance. Review status: criteria provided, multiple submitters, no conflicts (2 of 4 stars). 2 submissions from 2 submitters: Uncertain significance (2). Last evaluated 2025-04-25.

Conditions:
Inborn genetic diseases. Identifiers: MedGen C0950123, MeSH D030342.

Allele frequency attached by ClinVar (database versions not stated): gnomAD 0.00001; TOPMed 0.00001.
gnomAD v4.1: 3 of 1,613,408 alleles (0.00019%); highest among the groups gnomAD compares: Admixed American, 0.0033%; no homozygotes.

Submissions (2):

Ambry Genetics
Classification: Uncertain significance for Inborn genetic diseases. Last evaluated: 2025-04-25. Review status: criteria provided, single submitter. Criteria: Ambry Variant Classification Scheme 2023. Collection method: clinical testing. Allele origin: germline.

Labcorp Genetics (formerly Invitae), Labcorp
Classification: Uncertain significance. Last evaluated: 2023-09-30. Review status: criteria provided, single submitter. Criteria: Invitae Variant Classification Sherloc (09022015). Collection method: clinical testing. Allele origin: germline.
Comment: This sequence change replaces alanine, which is neutral and non-polar, with proline, which is neutral and non-polar, at codon 844 of the JARID2 protein (p.Ala844Pro). This variant is not present in population databases (gnomAD no frequency). This variant has not been reported in the literature in individuals affected with JARID2-related conditions. ClinVar contains an entry for this variant (Variation ID: 1494929). An algorithm developed to predict the effect of missense changes on protein structure and function (PolyPhen-2) suggests that this variant is likely to be disruptive. In summary, the available evidence is currently insufficient to determine the role of this variant in disease. Therefore, it has been classified as a Variant of Uncertain Significance.